The following is an entry in ClinVar:

NM_006231.4(POLE):c.4591T>C (p.Ser1531Pro)

Gene: POLE (DNA polymerase epsilon, catalytic subunit; minus strand). Cytogenetic location: 12q24.33.
Variant type: single nucleotide variant.
Coding change: c.4591T>C on transcript NM_006231.4 (MANE Select); coding-DNA position 4591, T replaced by C.
Protein change: p.Ser1531Pro; replaces serine 1531 with proline.
Molecular consequence: missense variant.
Genome position (GRCh38, 1-based): chr12:132,642,957, A>G on the plus strand (T>C on the coding strand, the complement: POLE is on the minus strand). VCF-style: chr12-132642957-A-G. GRCh37 (hg19) VCF-style: chr12-133219543-A-G.
Other names: c.4591T>C (NM_006231.2); short protein forms S1531P.
Identifiers: ClinVar variation 1998765 (VCV001998765.6), dbSNP rs2138542433, ClinGen allele CA387379244.

ClinVar aggregate classification (germline): Uncertain significance. Review status: criteria provided, multiple submitters, no conflicts (2 of 4 stars). 2 submissions from 2 submitters: Uncertain significance (2). Last evaluated 2023-11-11.

Conditions:
Hereditary cancer-predisposing syndrome. Also called: Neoplastic Syndromes, Hereditary; Hereditary neoplastic syndrome; Tumor predisposition; Hereditary Cancer Syndrome. Identifiers: Orphanet 140162, MedGen C0027672, MeSH D009386, MONDO:0015356.

Submissions (2):

Labcorp Genetics (formerly Invitae), Labcorp
Classification: Uncertain significance. Last evaluated: 2023-11-11. Review status: criteria provided, single submitter. Criteria: Invitae Variant Classification Sherloc (09022015). Collection method: clinical testing. Allele origin: germline.
Comment: This sequence change replaces serine, which is neutral and polar, with proline, which is neutral and non-polar, at codon 1531 of the POLE protein (p.Ser1531Pro). This variant is not present in population databases (gnomAD no frequency). This variant has not been reported in the literature in individuals affected with POLE-related conditions. ClinVar contains an entry for this variant (Variation ID: 1998765). Advanced modeling of protein sequence and biophysical properties (such as structural, functional, and spatial information, amino acid conservation, physicochemical variation, residue mobility, and thermodynamic stability) performed at Invitae indicates that this missense variant is not expected to disrupt POLE protein function with a negative predictive value of 80%. In summary, the available evidence is currently insufficient to determine the role of this variant in disease. Therefore, it has been classified as a Variant of Uncertain Significance.

Ambry Genetics
Classification: Uncertain significance for Hereditary cancer-predisposing syndrome. Last evaluated: 2023-03-03. Review status: criteria provided, single submitter. Criteria: Ambry Variant Classification Scheme 2023. Collection method: clinical testing. Allele origin: germline.
Comment: The p.S1531P variant (also known as c.4591T>C), located in coding exon 36 of the POLE gene, results from a T to C substitution at nucleotide position 4591. The serine at codon 1531 is replaced by proline, an amino acid with similar properties. This amino acid position is conserved. In addition, this alteration is predicted to be tolerated by in silico analysis. Since supporting evidence is limited at this time, the clinical significance of this alteration remains unclear.